The following is an entry in ClinVar:

NM_021008.4(DEAF1):c.1349C>T (p.Pro450Leu)

Genes: DEAF1 (DEAF1 transcription factor; minus strand), LOC126861109 (BRD4-independent group 4 enhancer GRCh37_chr11:673917-675116; plus strand). Cytogenetic location: 11p15.5.
Variant type: single nucleotide variant.
Coding change: c.1349C>T on transcript NM_021008.4 (MANE Select); coding-DNA position 1349, C replaced by T.
Protein change: p.Pro450Leu; replaces proline 450 with leucine.
Molecular consequence: missense variant.
Genome position (GRCh38, 1-based): chr11:674,690, G>A on the plus strand (C>T on the coding strand, the complement: DEAF1 is on the minus strand). VCF-style: chr11-674690-G-A. GRCh37 (hg19) VCF-style: chr11-674690-G-A.
Other names: c.1082C>T, p.Pro361Leu (NM_001293634.2); c.623C>T, p.Pro208Leu (NM_001367390.1); short protein forms P208L, P450L, P361L.
Identifiers: ClinVar variation 1439428 (VCV001439428.8), dbSNP rs751558688, ClinGen allele CA5786233.

ClinVar aggregate classification (germline): Uncertain significance. Review status: criteria provided, multiple submitters, no conflicts (2 of 4 stars). 2 submissions from 2 submitters: Uncertain significance (2). Last evaluated 2025-12-15.

Conditions:
Inborn genetic diseases. Identifiers: MedGen C0950123, MeSH D030342.

Allele frequency attached by ClinVar (database versions not stated): TOPMed below 0.00001; ExAC 0.00002; gnomAD exomes 0.00002.
gnomAD v4.1: 11 of 1,614,008 alleles (0.00068%); highest among the groups gnomAD compares: Middle Eastern, 0.016%; no homozygotes.

Submissions (2):

Labcorp Genetics (formerly Invitae), Labcorp
Classification: Uncertain significance. Last evaluated: 2025-12-15. Review status: criteria provided, single submitter. Criteria: Invitae Variant Classification Sherloc (09022015). Collection method: clinical testing. Allele origin: germline.
Comment: This sequence change replaces proline, which is neutral and non-polar, with leucine, which is neutral and non-polar, at codon 450 of the DEAF1 protein (p.Pro450Leu). This variant is present in population databases (rs751558688, gnomAD 0.007%). This variant has not been reported in the literature in individuals affected with DEAF1-related conditions. ClinVar contains an entry for this variant (Variation ID: 1439428). Invitae Evidence Modeling of protein sequence and biophysical properties (such as structural, functional, and spatial information, amino acid conservation, physicochemical variation, residue mobility, and thermodynamic stability) indicates that this missense variant is not expected to disrupt DEAF1 protein function with a negative predictive value of 95%. In summary, the available evidence is currently insufficient to determine the role of this variant in disease. Therefore, it has been classified as a Variant of Uncertain Significance.

Ambry Genetics
Classification: Uncertain significance for Inborn genetic diseases. Last evaluated: 2023-07-14. Review status: criteria provided, single submitter. Criteria: Ambry Variant Classification Scheme 2023. Collection method: clinical testing. Allele origin: germline.